The following is an entry in ClinVar:

NM_152617.4(RNF168):c.754G>A (p.Val252Ile)

Gene: RNF168 (ring finger protein 168; minus strand). Cytogenetic location: 3q29.
Variant type: single nucleotide variant.
Coding change: c.754G>A on transcript NM_152617.4 (MANE Select); coding-DNA position 754, G replaced by A.
Protein change: p.Val252Ile; replaces valine 252 with isoleucine.
Molecular consequence: missense variant.
Genome position (GRCh38, 1-based): chr3:196,475,239, C>T on the plus strand (G>A on the coding strand, the complement: RNF168 is on the minus strand). VCF-style: chr3-196475239-C-T. GRCh37 (hg19) VCF-style: chr3-196202110-C-T.
Other names: short protein forms V252I.
Identifiers: ClinVar variation 1975685 (VCV001975685.3), dbSNP rs779500819, ClinGen allele CA2780819.

ClinVar aggregate classification (germline): Uncertain significance (1 of 4 stars; one submission).

Allele frequency attached by ClinVar (database versions not stated): gnomAD 0.00001; ExAC 0.00001; TOPMed 0.00001; gnomAD exomes 0.00002.
gnomAD v4.1: 24 of 1,586,588 alleles (0.0015%); highest among the groups gnomAD compares: Non-Finnish European, 0.0018%; no homozygotes.

Submission:

Labcorp Genetics (formerly Invitae), Labcorp
Classification: Uncertain significance. Last evaluated: 2025-10-26. Review status: criteria provided, single submitter. Criteria: Invitae Variant Classification Sherloc (09022015). Collection method: clinical testing. Allele origin: germline.
Comment: This sequence change replaces valine, which is neutral and non-polar, with isoleucine, which is neutral and non-polar, at codon 252 of the RNF168 protein (p.Val252Ile). This variant is present in population databases (rs779500819, gnomAD 0.003%). This variant has not been reported in the literature in individuals affected with RNF168-related conditions. ClinVar contains an entry for this variant (Variation ID: 1975685). An algorithm developed to predict the effect of missense changes on protein structure and function outputs the following: PolyPhen-2: "Benign". The isoleucine amino acid residue is found in multiple mammalian species, which suggests that this missense change does not adversely affect protein function. In summary, the available evidence is currently insufficient to determine the role of this variant in disease. Therefore, it has been classified as a Variant of Uncertain Significance.